The following is an entry in ClinVar:

NM_021005.4(NR2F2):c.834G>A (p.Ser278=)

Gene: NR2F2 (nuclear receptor subfamily 2 group F member 2; plus strand). Cytogenetic location: 15q26.2.
Variant type: single nucleotide variant.
Coding change: c.834G>A on transcript NM_021005.4 (MANE Select); coding-DNA position 834, G replaced by A.
Protein change: p.Ser278=; no amino-acid change (serine 278 retained).
Molecular consequence: synonymous variant.
Genome position (GRCh38, 1-based): chr15:96,334,467, G>A. VCF-style: chr15-96334467-G-A. GRCh37 (hg19) VCF-style: chr15-96877696-G-A.
Other names: c.435G>A, p.Ser145= (NM_001145155.2); c.375G>A, p.Ser125= (NM_001145156.1, NM_001145157.2).
Identifiers: ClinVar variation 413760 (VCV000413760.35), dbSNP rs199886454, ClinGen allele CA7750770.
Genomic context (GRCh38, chr15:96,334,467, plus strand): 5'-GCAGTGCTCCATGCCCCTCCACGTCGCCCCGCTCCTGGCCGCCGCCGGCCTGCATGCTTC[G>A]CCCATGTCCGCCGACCGGGTGGTCGCCTTTATGGACCACATACGGATCTTCCAAGAGCAA-3'
Protein context (NP_066285.1, residues 268-288): PLLAAAGLHA[Ser278=]PMSADRVVAF

ClinVar aggregate classification (germline): Benign. Review status: criteria provided, multiple submitters, no conflicts (2 of 4 stars). 2 submissions from 2 submitters: Benign (2). Last evaluated 2026-01-14.

Conditions:
Congenital heart defects, multiple types, 4 (CHTD4). Identifiers: MedGen C4014310, MONDO:0014344, OMIM 615779.

Allele frequency attached by ClinVar (database versions not stated): gnomAD 0.00021 and 0.00066; TOPMed 0.00044; gnomAD exomes 0.00070 and 0.00147; ExAC 0.00171; 1000 Genomes Project 30x 0.00297; 1000 Genomes Project 0.00300.
gnomAD v4.1: 1,151 of 1,613,970 alleles (0.071%); highest among the groups gnomAD compares: South Asian, 1.1%; 12 homozygotes.

Submissions (2):

Labcorp Genetics (formerly Invitae), Labcorp
Classification: Benign for Congenital heart defects, multiple types, 4. Last evaluated: 2026-01-14. Review status: criteria provided, single submitter. Criteria: Invitae Variant Classification Sherloc (09022015). Collection method: clinical testing. Allele origin: germline.

CeGaT Center for Human Genetics Tuebingen
Classification: Benign. Last evaluated: 2022-10-01. Review status: criteria provided, single submitter. Criteria: CeGaT Center For Human Genetics Tuebingen Variant Classification Criteria Version 2. Collection method: clinical testing. Allele origin: germline. Affected: yes. Observed: 1 variant allele.
Comment: NR2F2: BS1, BS2